The following is an entry in ClinVar:

NM_006506.5(RASA2):c.1225A>G (p.Met409Val)

Gene: RASA2 (RAS p21 protein activator 2; plus strand). Cytogenetic location: 3q23.
Variant type: single nucleotide variant.
Coding change: c.1225A>G on transcript NM_006506.5 (MANE Select); coding-DNA position 1225, A replaced by G.
Protein change: p.Met409Val; replaces methionine 409 with valine.
Molecular consequence: missense variant.
Genome position (GRCh38, 1-based): chr3:141,572,664, A>G. VCF-style: chr3-141572664-A-G. GRCh37 (hg19) VCF-style: chr3-141291506-A-G.
Other names: c.1225A>G, p.Met409Val (NM_001303245.3, NM_001303246.3); short protein forms M409V.
Identifiers: ClinVar variation 3676451 (VCV003676451.2).

ClinVar aggregate classification (germline): Uncertain significance (1 of 4 stars; one submission).

Submission:

Labcorp Genetics (formerly Invitae), Labcorp
Classification: Uncertain significance. Last evaluated: 2024-04-13. Review status: criteria provided, single submitter. Criteria: Invitae Variant Classification Sherloc (09022015). Collection method: clinical testing. Allele origin: germline.
Comment: This sequence change replaces methionine, which is neutral and non-polar, with valine, which is neutral and non-polar, at codon 409 of the RASA2 protein (p.Met409Val). This variant is not present in population databases (gnomAD no frequency). This variant has not been reported in the literature in individuals affected with RASA2-related conditions. Advanced modeling of protein sequence and biophysical properties (such as structural, functional, and spatial information, amino acid conservation, physicochemical variation, residue mobility, and thermodynamic stability) performed at Invitae indicates that this missense variant is not expected to disrupt RASA2 protein function with a negative predictive value of 80%. Algorithms developed to predict the effect of sequence changes on RNA splicing suggest that this variant may create or strengthen a splice site. In summary, the available evidence is currently insufficient to determine the role of this variant in disease. Therefore, it has been classified as a Variant of Uncertain Significance.